The following is an entry in ClinVar:

NM_014956.5(CEP164):c.4019_4024del (p.Gln1340_Gly1341del)

Gene: CEP164 (centrosomal protein 164; plus strand). Cytogenetic location: 11q23.3.
Variant type: Deletion.
Coding change: c.4019_4024del on transcript NM_014956.5 (MANE Select); coding-DNA positions 4019 to 4024, 6 bases deleted (AGGGGC; older notation c.4019_4024delAGGGGC).
Protein change: p.Gln1340_Gly1341del.
Genome position (GRCh38, 1-based): chr11:117,409,888-117,409,893, AGGGGC deleted; deleting any 6 consecutive bases within chr11:117,409,884-117,409,893 gives the same sequence; the c. name uses the placement nearest the transcript's 3' end. VCF-style (leftmost placement, unchanged base first): chr11-117409883-AGGGCAG-A. GRCh37 (hg19) VCF-style: chr11-117280599-AGGGCAG-A.
Other names: c.4004_4009del, p.Gln1335_Gly1336del (NM_001271933.2); c.4019_4024del6 (NM_014956.4).
Identifiers: ClinVar variation 3599105 (VCV003599105.2).

ClinVar aggregate classification (germline): Uncertain significance. Review status: criteria provided, multiple submitters, no conflicts (2 of 4 stars). 2 submissions from 2 submitters: Uncertain significance (2). Last evaluated 2025-11-14.

Conditions:
CEP164-related disorder. Also called: CEP164-related condition.
Nephronophthisis 15 (NPHP15). Identifiers: Orphanet 3156, MedGen C3541853, MONDO:0013917, OMIM 614845.

Submissions (2):

PreventionGenetics, part of Exact Sciences
Classification: Uncertain significance for CEP164-related condition. Last evaluated: 2025-11-14. Review status: criteria provided, single submitter. Criteria: ACMG Guidelines, 2015. Collection method: clinical testing. Allele origin: germline.
Comment: The CEP164 c.4019_4024del6 variant is predicted to result in an in-frame deletion (p.Gln1340_Gly1341del). To our knowledge, this variant has not been reported in the literature or in a large population database (gnomAD), indicating this variant is rare. At this time, the clinical significance of this variant is uncertain due to the absence of conclusive functional and genetic evidence.

Fulgent Genetics
Classification: Uncertain significance for Nephronophthisis 15. Last evaluated: 2024-02-03. Review status: criteria provided, single submitter. Criteria: ACMG Guidelines, 2015. Collection method: clinical testing. Allele origin: germline.